The following is an entry in ClinVar:

NM_004535.3(MYT1):c.1807A>G (p.Lys603Glu)

Gene: MYT1 (myelin transcription factor 1; plus strand). Cytogenetic location: 20q13.33.
Variant type: single nucleotide variant.
Coding change: c.1807A>G on transcript NM_004535.3 (MANE Select); coding-DNA position 1807, A replaced by G.
Protein change: p.Lys603Glu; replaces lysine 603 with glutamic acid.
Molecular consequence: missense variant.
Genome position (GRCh38, 1-based): chr20:64,217,242, A>G. VCF-style: chr20-64217242-A-G. GRCh37 (hg19) VCF-style: chr20-62848595-A-G.
Other names: short protein forms K603E.
Identifiers: ClinVar variation 2572239 (VCV002572239.1), dbSNP rs1317721782, ClinGen allele CA409774147.

ClinVar aggregate classification (germline): Uncertain significance (1 of 4 stars; one submission).

Allele frequency attached by ClinVar (database versions not stated): gnomAD exomes below 0.00001; gnomAD 0.00001; TOPMed 0.00001.
gnomAD v4.1: 3 of 1,614,150 alleles (0.00019%); highest among the groups gnomAD compares: Admixed American, 0.0033%; no homozygotes.

Submission:

Greenwood Genetic Center Diagnostic Laboratories, Greenwood Genetic Center
Classification: Uncertain significance. Last evaluated: 2023-05-24. Review status: criteria provided, single submitter. Criteria: ACMG Guidelines, 2015. Collection method: clinical testing. Allele origin: germline. Affected: yes.
Comment: PM2